The following is an entry in ClinVar:

ClinVar aggregate classification (germline): Conflicting classifications of pathogenicity. Review status: criteria provided, conflicting classifications (1 of 4 stars). 2 submissions from 2 submitters: Uncertain significance (1); Likely benign (1). Last evaluated 2022-04-21.

Conditions:
Long QT syndrome (LQTS). Identifiers: MedGen C0023976, MeSH D008133, MONDO:0002442. Disease mechanism: loss of function. Inheritance: Various modes of inheritance.
Cardiovascular phenotype. Identifiers: MedGen CN230736.

Submissions (2):

Labcorp Genetics (formerly Invitae), Labcorp
Classification: Uncertain significance for Long QT syndrome. Last evaluated: 2022-04-21. Review status: criteria provided, single submitter. Criteria: Invitae Variant Classification Sherloc (09022015). Collection method: clinical testing. Allele origin: germline.
Comment: In summary, the available evidence is currently insufficient to determine the role of this variant in disease. Therefore, it has been classified as a Variant of Uncertain Significance. Experimental studies and prediction algorithms are not available or were not evaluated, and the functional significance of this variant is currently unknown. This variant has not been reported in the literature in individuals affected with ANK2-related conditions. This variant is present in population databases (no rsID available, gnomAD 0.02%). This variant, c.9070_9072del, results in the deletion of 1 amino acid(s) of the ANK2 protein (p.Thr3024del), but otherwise preserves the integrity of the reading frame.

Ambry Genetics
Classification: Likely benign for Cardiovascular phenotype. Last evaluated: 2019-08-08. Review status: criteria provided, single submitter. Criteria: Ambry Variant Classification Scheme 2023. Collection method: clinical testing. Allele origin: germline.

NM_001148.6(ANK2):c.9064ACA[2] (p.Thr3024del)

Gene: ANK2 (ankyrin 2; plus strand). Cytogenetic location: 4q26.
Variant type: Microsatellite.
Coding change: c.9064ACA[2] on transcript NM_001148.6 (MANE Select); two copies in a row of the 3-base unit ACA starting at c.9064; the reference has three copies in a row; one copy, 3 bases deleted.
Protein change: p.Thr3024del; deletes threonine 3024.
Molecular consequence: inframe deletion. On other transcripts: inframe indel (2), intron variant (68).
Genome position (GRCh38, 1-based): chr4:113,357,688-113,357,690, ACA deleted; deleting any 3 consecutive bases within chr4:113,357,682-113,357,690 gives the same sequence; the position shown is the placement nearest the transcript's 3' end. VCF-style (leftmost placement, unchanged base first): chr4-113357681-TACA-T. GRCh37 (hg19) VCF-style: chr4-114278837-TACA-T.
Other names: c.9064_9066ACA[2], p.Thr3024del (NM_001148.4); c.8830ACA[2], p.Thr2946del (NM_001386142.1); c.5464ACA[2], p.Thr1824del (NM_001386166.1); c.9205ACA[2], p.Thr3071del (NM_001386174.1); c.9181ACA[2], p.Thr3063del (NM_001386175.1); c.4412-3141ACA[2] (NM_001386186.2, NM_001386148.2); c.4214-3141ACA[2] (NM_001354269.3); c.4292-3141ACA[2] (NM_001386187.2); and 37 more; short protein forms T2946del, T3071del, T3024del, T1824del, T3063del.
Identifiers: ClinVar variation 1765676 (VCV001765676.7), dbSNP rs1209343108, ClinGen allele CA554146371.